The following is an entry in ClinVar:

ClinVar aggregate classification (germline): Uncertain significance (1 of 4 stars; one submission).

Conditions:
Immunodeficiency 132A. Also called: Herpes simplex encephalitis, susceptibility to, 3. Identifiers: Orphanet 1930, MedGen C3553868, MONDO:0013920, OMIM 614849.

Submission:

Labcorp Genetics (formerly Invitae), Labcorp
Classification: Uncertain significance for Immunodeficiency 132A. Last evaluated: 2025-07-15. Review status: criteria provided, single submitter. Criteria: Invitae Variant Classification Sherloc (09022015). Collection method: clinical testing. Allele origin: germline.
Comment: This sequence change falls in intron 6 of the TRAF3 gene. It does not directly change the encoded amino acid sequence of the TRAF3 protein. This variant is not present in population databases (gnomAD no frequency). This variant has not been reported in the literature in individuals affected with TRAF3-related conditions. ClinVar contains an entry for this variant (Variation ID: 3728747). Experimental studies and prediction algorithms are not available or were not evaluated, and the effect of this variant on mRNA splicing is currently unknown. In summary, the available evidence is currently insufficient to determine the role of this variant in disease. Therefore, it has been classified as a Variant of Uncertain Significance.

NM_145725.3(TRAF3):c.651+16_651+43del

Genes: TRAF3 (TNF receptor associated factor 3; plus strand), LOC126862065 (BRD4-independent group 4 enhancer GRCh37_chr14:103352003-103353202; plus strand). Cytogenetic location: 14q32.32.
Variant type: Deletion.
Coding change: c.651+16_651+43del on transcript NM_145725.3 (MANE Select); bases 16 to 43 of the intron after coding-DNA position 651, 28 bases deleted (CCCGGCCGGGAGTCTGTGGAGTCCTCAG).
Molecular consequence: intron variant.
Genome position (GRCh38, 1-based): chr14:102,886,285-102,886,312, CCCGGCCGGGAGTCTGTGGAGTCCTCAG deleted; deleting any 28 consecutive bases within chr14:102,886,284-102,886,312 gives the same sequence; the c. name uses the placement nearest the transcript's 3' end. VCF-style (leftmost placement, unchanged base first): chr14-102886283-GGCCCGGCCGGGAGTCTGTGGAGTCCTCA-G. GRCh37 (hg19) VCF-style: chr14-103352620-GGCCCGGCCGGGAGTCTGTGGAGTCCTCA-G.
Other names: c.651+16_651+43del (NM_001385142.1, NM_145726.3, NM_003300.4); c.571-3275_571-3248del (NM_001385143.1); c.570+9760_570+9787del (NM_001199427.2).
Identifiers: ClinVar variation 3728747 (VCV003728747.2).